The following is an entry in ClinVar:

NM_001999.4(FBN2):c.4411G>A (p.Ala1471Thr)

Gene: FBN2 (fibrillin 2; minus strand). Cytogenetic location: 5q23.3.
Variant type: single nucleotide variant.
Coding change: c.4411G>A on transcript NM_001999.4 (MANE Select); coding-DNA position 4411, G replaced by A.
Protein change: p.Ala1471Thr; replaces alanine 1471 with threonine.
Molecular consequence: missense variant.
Genome position (GRCh38, 1-based): chr5:128,328,756, C>T on the plus strand (G>A on the coding strand, the complement: FBN2 is on the minus strand). VCF-style: chr5-128328756-C-T. GRCh37 (hg19) VCF-style: chr5-127664448-C-T.
Other names: short protein forms A1471T.
Identifiers: ClinVar variation 1677326 (VCV001677326.3), dbSNP rs2126886739, ClinGen allele CA360752989.

ClinVar aggregate classification (germline): Uncertain significance. Review status: criteria provided, multiple submitters, no conflicts (2 of 4 stars). 2 submissions from 2 submitters: Uncertain significance (2). Last evaluated 2025-04-08.

Conditions:
Congenital contractural arachnodactyly (CCA). Also called: BEALS SYNDROME; Beals-Hecht syndrome; Arthrogryposis, distal, type 9. Identifiers: Orphanet 115, MedGen C0220668, MONDO:0007363, OMIM 121050.

Allele frequency attached by ClinVar (database versions not stated): gnomAD exomes below 0.00001.
gnomAD v4.1: 1 of 1,614,082 alleles (0.000062%); highest among the groups gnomAD compares: South Asian, 0.0011%; no homozygotes.

Submissions (2):

Labcorp Genetics (formerly Invitae), Labcorp
Classification: Uncertain significance for Congenital contractural arachnodactyly. Last evaluated: 2025-04-08. Review status: criteria provided, single submitter. Criteria: Invitae Variant Classification Sherloc (09022015). Collection method: clinical testing. Allele origin: germline.
Comment: This sequence change replaces alanine, which is neutral and non-polar, with threonine, which is neutral and polar, at codon 1471 of the FBN2 protein (p.Ala1471Thr). This variant is not present in population databases (gnomAD no frequency). This variant has not been reported in the literature in individuals affected with FBN2-related conditions. ClinVar contains an entry for this variant (Variation ID: 1677326). Invitae Evidence Modeling of protein sequence and biophysical properties (such as structural, functional, and spatial information, amino acid conservation, physicochemical variation, residue mobility, and thermodynamic stability) indicates that this missense variant is not expected to disrupt FBN2 protein function with a negative predictive value of 80%. In summary, the available evidence is currently insufficient to determine the role of this variant in disease. Therefore, it has been classified as a Variant of Uncertain Significance.

AiLife Diagnostics
Classification: Uncertain significance. Last evaluated: 2021-07-07. Review status: criteria provided, single submitter. Criteria: ACMG Guidelines, 2015. Collection method: clinical testing. Allele origin: germline. Affected: yes. Observed: 1 variant allele.